The following is an entry in ClinVar:

ClinVar aggregate classification (germline): Uncertain significance (1 of 4 stars; one submission).

Conditions:
Primary ciliary dyskinesia. Also called: Ciliary dyskinesia. Identifiers: Orphanet 244, MedGen C0008780, MONDO:0016575, HP:0012265.

Allele frequency attached by ClinVar (database versions not stated): gnomAD exomes 0.00001 and 0.00009; gnomAD 0.00004; TOPMed 0.00004.

Submission:

Labcorp Genetics (formerly Invitae), Labcorp
Classification: Uncertain significance for Primary ciliary dyskinesia. Last evaluated: 2021-09-01. Review status: criteria provided, single submitter. Criteria: Invitae Variant Classification Sherloc (09022015). Collection method: clinical testing. Allele origin: germline.
Comment: This sequence change replaces arginine with tryptophan at codon 288 of the ZMYND10 protein (p.Arg288Trp). The arginine residue is weakly conserved and there is a moderate physicochemical difference between arginine and tryptophan. This variant is not present in population databases (ExAC no frequency). This variant has not been reported in the literature in individuals affected with ZMYND10-related conditions. Algorithms developed to predict the effect of missense changes on protein structure and function are either unavailable or do not agree on the potential impact of this missense change (SIFT: "Deleterious"; PolyPhen-2: "Benign"; Align-GVGD: "Class C25"). In summary, the available evidence is currently insufficient to determine the role of this variant in disease. Therefore, it has been classified as a Variant of Uncertain Significance.

NM_015896.4(ZMYND10):c.862C>T (p.Arg288Trp)

Gene: ZMYND10 (zinc finger MYND-type containing 10; minus strand). Cytogenetic location: 3p21.31.
Variant type: single nucleotide variant.
Coding change: c.862C>T on transcript NM_015896.4 (MANE Select); coding-DNA position 862, C replaced by T.
Protein change: p.Arg288Trp; replaces arginine 288 with tryptophan.
Molecular consequence: missense variant.
Genome position (GRCh38, 1-based): chr3:50,342,408, G>A on the plus strand (C>T on the coding strand, the complement: ZMYND10 is on the minus strand). VCF-style: chr3-50342408-G-A. GRCh37 (hg19) VCF-style: chr3-50379839-G-A.
Other names: c.847C>T, p.Arg283Trp (NM_001308379.2); short protein forms R283W, R288W.
Identifiers: ClinVar variation 1058661 (VCV001058661.2), dbSNP rs1245120737, ClinGen allele CA352939241.